The following is an entry in ClinVar:

ClinVar aggregate classification (germline): Likely benign (0 of 4 stars; one submission).

Conditions:
SLC4A11-related disorder. Also called: SLC4A11-related condition.

Allele frequency attached by ClinVar (database versions not stated): ExAC 0.00024; 1000 Genomes Project 0.00060; 1000 Genomes Project 30x 0.00062.
gnomAD v4.1: 140 of 1,501,624 alleles (0.0093%); highest among the groups gnomAD compares: African/African-American, 0.18%; 1 homozygote.

Submission:

PreventionGenetics, part of Exact Sciences
Classification: Likely benign for SLC4A11-related condition. Last evaluated: 2019-12-23. Review status: no assertion criteria provided. Collection method: clinical testing. Allele origin: germline.
Comment: This variant is classified as likely benign based on ACMG/AMP sequence variant interpretation guidelines (Richards et al. 2015 PMID: 25741868, with internal and published modifications).

NM_001174089.2(SLC4A11):c.44-459C>T

Gene: SLC4A11 (solute carrier family 4 member 11; minus strand). Cytogenetic location: 20p13.
Variant type: single nucleotide variant.
Coding change: c.44-459C>T on transcript NM_001174089.2 (MANE Select); 459 bases into the intron before coding-DNA position 44, C replaced by T.
Molecular consequence: intron variant. On other transcripts: synonymous variant (2), non-coding transcript variant (2).
Genome position (GRCh38, 1-based): chr20:3,238,047, G>A on the plus strand (C>T on the coding strand, the complement: SLC4A11 is on the minus strand). VCF-style: chr20-3238047-G-A. GRCh37 (hg19) VCF-style: chr20-3218693-G-A.
Other names: c.18C>T, p.Pro6= (NM_001174090.2, NM_001400280.1); c.-14-459C>T (NM_001400277.1, NM_001400278.1, NM_001400279.1); c.44-459C>T (NM_001363745.2).
Identifiers: ClinVar variation 3047991 (VCV003047991.2), dbSNP rs569054155, ClinGen allele CA9742540.